The following is an entry in ClinVar:

NM_013314.4(BLNK):c.48-52T>A

Gene: BLNK (B cell linker; minus strand). Cytogenetic location: 10q24.1.
Variant type: single nucleotide variant.
Coding change: c.48-52T>A on transcript NM_013314.4 (MANE Select); 52 bases into the intron before coding-DNA position 48, T replaced by A.
Molecular consequence: intron variant.
Genome position (GRCh38, 1-based): chr10:96,247,101, A>T on the plus strand (T>A on the coding strand, the complement: BLNK is on the minus strand). VCF-style: chr10-96247101-A-T. GRCh37 (hg19) VCF-style: chr10-98006857-A-T.
Other names: c.48-52T>A (NM_001258442.2, NM_001258441.2, NM_001114094.2 and 1 more transcripts).
Identifiers: ClinVar variation 1192497 (VCV001192497.7), dbSNP rs2168732, ClinGen allele CA5623624.

ClinVar aggregate classification (germline): Benign. Review status: criteria provided, multiple submitters, no conflicts (2 of 4 stars). 4 submissions from 4 submitters: Benign (4). Last evaluated 2024-01-24.

Conditions:
Agammaglobulinemia 4, autosomal recessive (AGM4). Also called: AGAMMAGLOBULINEMIA, AUTOSOMAL RECESSIVE, DUE TO BLNK DEFECT; B cell linker protein deficiency. Identifiers: MedGen C3150752, MONDO:0013289, OMIM 613502.

Allele frequency attached by ClinVar (database versions not stated): 1000 Genomes Project 0.70148; 1000 Genomes Project 30x 0.70581; TOPMed 0.79290; gnomAD 0.81336 and 0.81631; ESP Exome Variant Server 0.81411; ExAC 0.84261; gnomAD exomes 0.84364 and 0.90296.
gnomAD v4.1: 1,145,630 of 1,285,840 alleles (89%); highest among the groups gnomAD compares: Non-Finnish European, 94%; 518,645 homozygotes.

Submissions (4):

Unidad de Genómica Garrahan, Hospital de Pediatría Garrahan
Classification: Benign. Last evaluated: 2024-01-24. Review status: criteria provided, single submitter. Criteria: ACMG Guidelines, 2015. Collection method: clinical testing. Allele origin: germline. Affected: no. Observed: 68 variant alleles.
Comment: This variant is classified as Benign based on local population frequency. This variant was detected in 72% of patients studied by a panel of primary immunodeficiencies. Number of patients: 68. Only high quality variants are reported.

Genome-Nilou Lab
Classification: Benign for Agammaglobulinemia 4, autosomal recessive. Last evaluated: 2021-07-14. Review status: criteria provided, single submitter. Criteria: ACMG Guidelines, 2015. Collection method: clinical testing. Allele origin: germline. Affected: no.

GeneDx
Classification: Benign. Last evaluated: 2018-11-10. Review status: criteria provided, single submitter. Criteria: GeneDx Variant Classification Process June 2021. Collection method: clinical testing. Allele origin: germline. Affected: yes.

Breakthrough Genomics
Classification: Benign. Review status: criteria provided, single submitter. Criteria: ACMG Guidelines, 2015. Collection method: not provided. Allele origin: germline. Inheritance: Autosomal recessive inheritance. Affected: yes.